The following is an entry in ClinVar:

ClinVar aggregate classification (germline): Uncertain significance (1 of 4 stars; one submission).

Allele frequency attached by ClinVar (database versions not stated): TOPMed 0.00001.

Submission:

Labcorp Genetics (formerly Invitae), Labcorp
Classification: Uncertain significance. Last evaluated: 2025-12-16. Review status: criteria provided, single submitter. Criteria: Invitae Variant Classification Sherloc (09022015). Collection method: clinical testing. Allele origin: germline.
Comment: This sequence change replaces alanine, which is neutral and non-polar, with valine, which is neutral and non-polar, at codon 277 of the RFWD3 protein (p.Ala277Val). This variant is present in population databases (no rsID available, gnomAD 0.01%). This variant has not been reported in the literature in individuals affected with RFWD3-related conditions. ClinVar contains an entry for this variant (Variation ID: 2876849). An algorithm developed to predict the effect of missense changes on protein structure and function outputs the following: PolyPhen-2: "Benign". The valine amino acid residue is found in multiple mammalian species, which suggests that this missense change does not adversely affect protein function. In summary, the available evidence is currently insufficient to determine the role of this variant in disease. Therefore, it has been classified as a Variant of Uncertain Significance.

NM_018124.4(RFWD3):c.830C>T (p.Ala277Val)

Gene: RFWD3 (ring finger and WD repeat domain 3; minus strand). Cytogenetic location: 16q23.1.
Variant type: single nucleotide variant.
Coding change: c.830C>T on transcript NM_018124.4 (MANE Select); coding-DNA position 830, C replaced by T.
Protein change: p.Ala277Val; replaces alanine 277 with valine.
Molecular consequence: missense variant. On other transcripts: 5 prime UTR variant (5).
Genome position (GRCh38, 1-based): chr16:74,644,698, G>A on the plus strand (C>T on the coding strand, the complement: RFWD3 is on the minus strand). VCF-style: chr16-74644698-G-A. GRCh37 (hg19) VCF-style: chr16-74678596-G-A.
Other names: c.830C>T, p.Ala277Val (NM_001370534.1, NM_001370535.1, NM_001370536.1); c.-5C>T (NM_001370537.1, NM_001370539.1, NM_001370540.1 and 3 more transcripts); short protein forms A277V.
Identifiers: ClinVar variation 2876849 (VCV002876849.3), dbSNP rs993157045, ClinGen allele CA283752929.
Genomic context (GRCh38, chr16:74,644,698, plus strand): 5'-GCATTGGTCCACTGTTCCAGACATATTGTACAAGTGTCCCCTTCTTCCTCATCCATAGAA[G>A]CAGAAGGTAGCAGAGGCTCAGACTTCTGGGGAGATGGCTAGATGGAAAGCAGAATATATT-3'
Protein context (NP_060594.3, residues 267-287): PQKSEPLLPS[Ala277Val]SMDEEEGDTC